The following is an entry in ClinVar:

NM_002439.5(MSH3):c.2120C>T (p.Ser707Phe)

Gene: MSH3 (mutS homolog 3; plus strand). Cytogenetic location: 5q14.1.
Variant type: single nucleotide variant.
Coding change: c.2120C>T on transcript NM_002439.5 (MANE Select); coding-DNA position 2120, C replaced by T.
Protein change: p.Ser707Phe; replaces serine 707 with phenylalanine.
Molecular consequence: missense variant.
Genome position (GRCh38, 1-based): chr5:80,768,870, C>T. VCF-style: chr5-80768870-C-T. GRCh37 (hg19) VCF-style: chr5-80064689-C-T.
Other names: short protein forms S707F.
Identifiers: ClinVar variation 2961321 (VCV002961321.3), dbSNP rs2546774220, ClinGen allele CA360279291.

ClinVar aggregate classification (germline): Uncertain significance (1 of 4 stars; one submission).

Submission:

Labcorp Genetics (formerly Invitae), Labcorp
Classification: Uncertain significance. Last evaluated: 2023-12-22. Review status: criteria provided, single submitter. Criteria: Invitae Variant Classification Sherloc (09022015). Collection method: clinical testing. Allele origin: germline.
Comment: This sequence change replaces serine, which is neutral and polar, with phenylalanine, which is neutral and non-polar, at codon 707 of the MSH3 protein (p.Ser707Phe). This variant is not present in population databases (gnomAD no frequency). This variant has not been reported in the literature in individuals affected with MSH3-related conditions. An algorithm developed to predict the effect of missense changes on protein structure and function (PolyPhen-2) suggests that this variant is likely to be disruptive. In summary, the available evidence is currently insufficient to determine the role of this variant in disease. Therefore, it has been classified as a Variant of Uncertain Significance.